The following is an entry in ClinVar:

ClinVar aggregate classification (germline): Uncertain significance. Review status: criteria provided, multiple submitters, no conflicts (2 of 4 stars). 2 submissions from 2 submitters: Uncertain significance (2). Last evaluated 2026-03-18.

Conditions:
Inborn genetic diseases. Identifiers: MedGen C0950123, MeSH D030342.

Submissions (2):

GeneDx
Classification: Uncertain significance. Last evaluated: 2026-03-18. Review status: criteria provided, single submitter. Criteria: GeneDx Variant Classification Process June 2021. Collection method: clinical testing. Allele origin: germline.
Comment: Not observed at significant frequency in large population cohorts (gnomAD); In silico analysis suggests that this missense variant does not alter protein structure/function; Has not been previously published as pathogenic or benign to our knowledge

Ambry Genetics
Classification: Uncertain significance for Inborn genetic diseases. Last evaluated: 2024-11-12. Review status: criteria provided, single submitter. Criteria: Ambry Variant Classification Scheme 2023. Collection method: clinical testing. Allele origin: germline.
Comment: The c.557G>A (p.R186Q) alteration is located in exon 5 (coding exon 5) of the SMARCA5 gene. This alteration results from a G to A substitution at nucleotide position 557, causing the arginine (R) at amino acid position 186 to be replaced by a glutamine (Q). This variant was not reported in population-based cohorts in the Genome Aggregation Database (gnomAD). This amino acid position is highly conserved in available vertebrate species. This missense alteration is located in a region that has a low rate of benign missense variation (Lek, 2016; Firth, 2009). This alteration is predicted to be deleterious by in silico analysis. Based on insufficient or conflicting evidence, the clinical significance of this alteration remains unclear.

NM_003601.4(SMARCA5):c.557G>A (p.Arg186Gln)

Gene: SMARCA5 (SNF2 related chromatin remodeling ATPase 5; plus strand). Cytogenetic location: 4q31.21.
Variant type: single nucleotide variant.
Coding change: c.557G>A on transcript NM_003601.4 (MANE Select); coding-DNA position 557, G replaced by A.
Protein change: p.Arg186Gln; replaces arginine 186 with glutamine.
Molecular consequence: missense variant.
Genome position (GRCh38, 1-based): chr4:143,525,487, G>A. VCF-style: chr4-143525487-G-A. GRCh37 (hg19) VCF-style: chr4-144446640-G-A.
Other names: short protein forms R186Q.
Identifiers: ClinVar variation 3446044 (VCV003446044.2).
Genomic context (GRCh38, chr4:143,525,487, plus strand): 5'-ATTGTGCTTTTCTTTTGTTCTTAGATGTAAAATGGGGTAAACTGAGAGATTATCAGGTCC[G>A]AGGATTAAACTGGCTCATTTCTTTGTATGAGAATGGCATCAATGGTATCCTTGCAGATGA-3'
Protein context (NP_003592.3, residues 176-196): KWGKLRDYQV[Arg186Gln]GLNWLISLYE